The following is an entry in ClinVar:

ClinVar aggregate classification (germline): Likely benign (1 of 4 stars; one submission).

Allele frequency attached by ClinVar (database versions not stated): gnomAD exomes below 0.00001.
gnomAD v4.1: 2 of 1,614,010 alleles (0.00012%); highest among the groups gnomAD compares: Non-Finnish European, 0.00017%; no homozygotes.

Submission:

CeGaT Center for Human Genetics Tuebingen
Classification: Likely benign. Last evaluated: 2022-05-01. Review status: criteria provided, single submitter. Criteria: CeGaT Center For Human Genetics Tuebingen Variant Classification Criteria Version 2. Collection method: clinical testing. Allele origin: germline. Affected: yes. Observed: 1 variant allele.
Comment: PRG4: PM2:Supporting, BP4, BP7

NM_005807.6(PRG4):c.2586C>T (p.Thr862=)

Gene: PRG4 (proteoglycan 4; plus strand). Cytogenetic location: 1q31.1.
Variant type: single nucleotide variant.
Coding change: c.2586C>T on transcript NM_005807.6 (MANE Select); coding-DNA position 2586, C replaced by T.
Protein change: p.Thr862=; no amino-acid change (threonine 862 retained).
Molecular consequence: synonymous variant.
Genome position (GRCh38, 1-based): chr1:186,308,305, C>T. VCF-style: chr1-186308305-C-T. GRCh37 (hg19) VCF-style: chr1-186277437-C-T.
Other names: c.2463C>T, p.Thr821= (NM_001127708.3); c.2307C>T, p.Thr769= (NM_001127709.3); c.2184C>T, p.Thr728= (NM_001127710.3); c.2457C>T, p.Thr819= (NM_001303232.2).
Identifiers: ClinVar variation 2639662 (VCV002639662.24), dbSNP rs2526407220, ClinGen allele CA422516778.